The following is an entry in ClinVar:

ClinVar aggregate classification (germline): Uncertain significance (1 of 4 stars; one submission).

Conditions:
Inborn genetic diseases. Identifiers: MedGen C0950123, MeSH D030342.

Submission:

Ambry Genetics
Classification: Uncertain significance for Inborn genetic diseases. Last evaluated: 2025-09-27. Review status: criteria provided, single submitter. Criteria: Ambry Variant Classification Scheme 2023. Collection method: clinical testing. Allele origin: germline.
Comment: The p.H54Q variant (also known as c.162C>G), located in coding exon 2 of the SBDS gene, results from a C to G substitution at nucleotide position 162. The histidine at codon 54 is replaced by glutamine, an amino acid with highly similar properties. This amino acid position is conserved. In addition, the in silico prediction for this alteration is inconclusive. Based on the available evidence, the clinical significance of this variant remains unclear.

NM_016038.4(SBDS):c.162C>G (p.His54Gln)

Gene: SBDS (SBDS ribosome maturation factor; minus strand). Cytogenetic location: 7q11.21.
Variant type: single nucleotide variant.
Coding change: c.162C>G on transcript NM_016038.4 (MANE Select); coding-DNA position 162, C replaced by G.
Protein change: p.His54Gln; replaces histidine 54 with glutamine.
Molecular consequence: missense variant.
Genome position (GRCh38, 1-based): chr7:66,994,308, G>C on the plus strand (C>G on the coding strand, the complement: SBDS is on the minus strand). VCF-style: chr7-66994308-G-C. GRCh37 (hg19) VCF-style: chr7-66459295-G-C.
Other names: short protein forms H54Q.
Identifiers: ClinVar variation 4630218 (VCV004630218.1).
Genomic context (GRCh38, chr7:66,994,308, plus strand): 5'-CGCACTGATGAGATCTTCCTTTTTGGCAACCTGACCTTTAGAAACATTTACAAACACTGA[G>C]TGGGTCTGCAGAACTTCATCGAGGTCTTTTTCCCTTGTGAGGGCAGGAGAGAAAGTCCTA-3'
Protein context (NP_057122.2, residues 44-64): EKDLDEVLQT[His54Gln]SVFVNVSKGQ